The following is an entry in ClinVar:

ClinVar aggregate classification (germline): Conflicting classifications of pathogenicity. Review status: criteria provided, conflicting classifications (1 of 4 stars). 2 submissions from 2 submitters: Likely pathogenic (1); Uncertain significance (1). Last evaluated 2026-02-17.

Submissions (2):

Women's Health and Genetics/Laboratory Corporation of America, LabCorp
Classification: Uncertain significance. Last evaluated: 2026-02-17. Review status: criteria provided, single submitter. Criteria: LabCorp Variant Classification Summary - May 2015. Collection method: clinical testing. Allele origin: germline.
Comment: Variant summary: COL4A3 c.3892G>T (p.Gly1298Cys) results in a non-conservative amino acid change in the encoded protein sequence. Algorithms developed to predict the effect of missense changes on protein structure and function all suggest that this variant is likely to be disruptive. The variant was absent in 249540 control chromosomes. The available data on variant occurrences in the general population are insufficient to allow any conclusion about variant significance. To our knowledge, no occurrence of c.3892G>T in individuals affected with COL4A3-related conditions and no experimental evidence demonstrating its impact on protein function have been reported. ClinVar contains an entry for this variant (Variation ID: 4685352). Based on the evidence outlined above, the variant was classified as uncertain significance.

GeneDx
Classification: Likely pathogenic. Last evaluated: 2025-07-11. Review status: criteria provided, single submitter. Criteria: GeneDx Variant Classification Process June 2021. Collection method: clinical testing. Allele origin: germline. Affected: yes.
Comment: Affects a glycine residue in a Gly-X-Y motif in the triple helical region of the COL4A3 gene, where the majority of pathogenic missense variants occur, and is predicted to disrupt normal protein folding and function (PMID: 10752524); Not observed at significant frequency in large population cohorts (gnomAD); In silico analysis supports that this missense variant has a deleterious effect on protein structure/function; Has not been previously published as pathogenic or benign to our knowledge; This variant is associated with the following publications: (PMID: 10752524)

NM_000091.5(COL4A3):c.3892G>T (p.Gly1298Cys)

Genes: COL4A3 (collagen type IV alpha 3 chain; plus strand), MFF-DT (MFF divergent transcript; minus strand). Cytogenetic location: 2q36.3.
Variant type: single nucleotide variant.
Coding change: c.3892G>T on transcript NM_000091.5 (MANE Select); coding-DNA position 3892, G replaced by T.
Protein change: p.Gly1298Cys; replaces glycine 1298 with cysteine.
Molecular consequence: missense variant.
Genome position (GRCh38, 1-based): chr2:227,303,047, G>T. VCF-style: chr2-227303047-G-T. GRCh37 (hg19) VCF-style: chr2-228167763-G-T.
Other names: short protein forms G1298C.
Identifiers: ClinVar variation 4685352 (VCV004685352.2).